The following is an entry in ClinVar:

ClinVar aggregate classification (germline): Likely benign. Review status: criteria provided, multiple submitters, no conflicts (2 of 4 stars). 4 submissions from 4 submitters: Likely benign (4). Last evaluated 2026-03-27.

Conditions:
TTN-related disorder. Also called: TTN-related disorders; TTN-related condition; TTN-related disease.
Autosomal recessive limb-girdle muscular dystrophy type 2J (LGMDR10). Also called: Limb-girdle muscular dystrophy, type 2J; MUSCULAR DYSTROPHY, LIMB-GIRDLE, AUTOSOMAL RECESSIVE 10. Identifiers: Orphanet 140922, MedGen C1837342, MONDO:0012127, OMIM 608807.
Dilated cardiomyopathy 1G (CMD1G). Identifiers: Orphanet 154, MedGen C1858763, MONDO:0011400, OMIM 604145.

Allele frequency attached by ClinVar (database versions not stated): ExAC 0.00002; gnomAD 0.00002; gnomAD exomes 0.00002 and 0.00003; TOPMed 0.00006.
gnomAD v4.1: 25 of 1,605,476 alleles (0.0016%); highest among the groups gnomAD compares: Admixed American, 0.0035%; no homozygotes.

Submissions (4):

Molecular Diagnostic Laboratory for Inherited Cardiovascular Disease, Montreal Heart Institute
Classification: Likely benign. Last evaluated: 2026-03-27. Review status: criteria provided, single submitter. Criteria: ACMG Guidelines, 2015. Collection method: clinical testing. Allele origin: germline. Affected: no.

PreventionGenetics, part of Exact Sciences
Classification: Likely benign for TTN-related condition. Last evaluated: 2025-11-24. Review status: criteria provided, single submitter. Criteria: ACMG Guidelines, 2015. Collection method: clinical testing. Allele origin: germline.
Comment: This variant is classified as likely benign based on ACMG/AMP sequence variant interpretation guidelines (Richards et al. 2015 PMID: 25741868, with internal and published modifications).

Labcorp Genetics (formerly Invitae), Labcorp
Classification: Likely benign for Dilated cardiomyopathy 1G; Autosomal recessive limb-girdle muscular dystrophy type 2J. Last evaluated: 2025-09-10. Review status: criteria provided, single submitter. Criteria: Invitae Variant Classification Sherloc (09022015). Collection method: clinical testing. Allele origin: germline.

GeneDx
Classification: Likely benign. Last evaluated: 2020-10-08. Review status: criteria provided, single submitter. Criteria: GeneDx Variant Classification Process June 2021. Collection method: clinical testing. Allele origin: germline. Affected: yes.

NM_001267550.2(TTN):c.33165G>A (p.Pro11055=)

Gene: TTN (titin; minus strand). Cytogenetic location: 2q31.2.
Variant type: single nucleotide variant.
Coding change: c.33165G>A on transcript NM_001267550.2 (MANE Select); coding-DNA position 33165, G replaced by A.
Protein change: p.Pro11055=; no amino-acid change (proline 11055 retained).
Molecular consequence: synonymous variant. On other transcripts: intron variant (3).
Genome position (GRCh38, 1-based): chr2:178,681,668, C>T on the plus strand (G>A on the coding strand, the complement: TTN is on the minus strand). VCF-style: chr2-178681668-C-T. GRCh37 (hg19) VCF-style: chr2-179546395-C-T.
Other names: c.32214G>A, p.Pro10738= (NM_001256850.1); c.29433G>A, p.Pro9811= (NM_133378.4); c.13283-39351G>A (NM_003319.4); c.13859-39351G>A (NM_133437.4); c.13658-39351G>A (NM_133432.3).
Identifiers: ClinVar variation 391744 (VCV000391744.16), dbSNP rs756152512, ClinGen allele CA1998440.